The following is an entry in ClinVar:

ClinVar aggregate classification (germline): Uncertain significance. Review status: criteria provided, multiple submitters, no conflicts (2 of 4 stars). 2 submissions from 2 submitters: Uncertain significance (2). Last evaluated 2025-01-18.

Conditions:
Inborn genetic diseases. Identifiers: MedGen C0950123, MeSH D030342.

Allele frequency attached by ClinVar (database versions not stated): gnomAD 0.00007; ESP Exome Variant Server 0.00008; TOPMed 0.00008.
gnomAD v4.1: 16 of 1,612,280 alleles (0.00099%); highest among the groups gnomAD compares: African/African-American, 0.02%; no homozygotes.

Submissions (2):

Ambry Genetics
Classification: Uncertain significance for Inborn genetic diseases. Last evaluated: 2025-01-18. Review status: criteria provided, single submitter. Criteria: Ambry Variant Classification Scheme 2023. Collection method: clinical testing. Allele origin: germline.

Labcorp Genetics (formerly Invitae), Labcorp
Classification: Uncertain significance. Last evaluated: 2024-01-22. Review status: criteria provided, single submitter. Criteria: Invitae Variant Classification Sherloc (09022015). Collection method: clinical testing. Allele origin: germline.
Comment: This sequence change replaces alanine, which is neutral and non-polar, with glycine, which is neutral and non-polar, at codon 324 of the ANK3 protein (p.Ala324Gly). This variant is present in population databases (rs369098464, gnomAD 0.02%). This variant has not been reported in the literature in individuals affected with ANK3-related conditions. ClinVar contains an entry for this variant (Variation ID: 2263883). Advanced modeling of protein sequence and biophysical properties (such as structural, functional, and spatial information, amino acid conservation, physicochemical variation, residue mobility, and thermodynamic stability) performed at Invitae indicates that this missense variant is not expected to disrupt ANK3 protein function with a negative predictive value of 80%. In summary, the available evidence is currently insufficient to determine the role of this variant in disease. Therefore, it has been classified as a Variant of Uncertain Significance.

NM_020987.5(ANK3):c.971C>G (p.Ala324Gly)

Gene: ANK3 (ankyrin 3; minus strand). Cytogenetic location: 10q21.2.
Variant type: single nucleotide variant.
Coding change: c.971C>G on transcript NM_020987.5 (MANE Select); coding-DNA position 971, C replaced by G.
Protein change: p.Ala324Gly; replaces alanine 324 with glycine.
Molecular consequence: missense variant.
Genome position (GRCh38, 1-based): chr10:60,213,437, G>C on the plus strand (C>G on the coding strand, the complement: ANK3 is on the minus strand). VCF-style: chr10-60213437-G-C. GRCh37 (hg19) VCF-style: chr10-61973195-G-C.
Other names: c.953C>G, p.Ala318Gly (NM_001204403.2); c.920C>G, p.Ala307Gly (NM_001204404.2); c.971C>G, p.Ala324Gly (NM_001320874.2); short protein forms A307G, A324G, A318G.
Identifiers: ClinVar variation 2263883 (VCV002263883.6), dbSNP rs369098464, ClinGen allele CA208294308.